The following is an entry in ClinVar:

NM_018699.4(PRDM5):c.182G>A (p.Arg61His)

Gene: PRDM5 (PR/SET domain 5; minus strand). Cytogenetic location: 4q27.
Variant type: single nucleotide variant.
Coding change: c.182G>A on transcript NM_018699.4 (MANE Select); coding-DNA position 182, G replaced by A.
Protein change: p.Arg61His; replaces arginine 61 with histidine.
Molecular consequence: missense variant.
Genome position (GRCh38, 1-based): chr4:120,853,536, C>T on the plus strand (G>A on the coding strand, the complement: PRDM5 is on the minus strand). VCF-style: chr4-120853536-C-T. GRCh37 (hg19) VCF-style: chr4-121774691-C-T.
Other names: c.182G>A, p.Arg61His (NM_001300823.2, NM_001300824.2, NM_001379104.1 and 1 more transcripts); short protein forms R61H.
Identifiers: ClinVar variation 1702270 (VCV001702270.10), dbSNP rs777432357, ClinGen allele CA3061459.

ClinVar aggregate classification (germline): Conflicting classifications of pathogenicity. Review status: criteria provided, conflicting classifications (1 of 4 stars). 3 submissions from 3 submitters: Uncertain significance (2); Likely benign (1). Last evaluated 2025-10-02.

Conditions:
Cardiovascular phenotype. Identifiers: MedGen CN230736.
Ehlers-Danlos syndrome (EDS). Identifiers: Orphanet 98249, MedGen C0013720, MONDO:0020066.

Allele frequency attached by ClinVar (database versions not stated): gnomAD 0.00003; TOPMed 0.00003; gnomAD exomes 0.00007; ExAC 0.00008.
gnomAD v4.1: 45 of 1,613,412 alleles (0.0028%); highest among the groups gnomAD compares: Admixed American, 0.023%; no homozygotes.

Submissions (3):

Labcorp Genetics (formerly Invitae), Labcorp
Classification: Uncertain significance. Last evaluated: 2025-10-02. Review status: criteria provided, single submitter. Criteria: Invitae Variant Classification Sherloc (09022015). Collection method: clinical testing. Allele origin: germline.
Comment: This sequence change replaces arginine, which is basic and polar, with histidine, which is basic and polar, at codon 61 of the PRDM5 protein (p.Arg61His). This variant is present in population databases (rs777432357, gnomAD 0.03%). This variant has not been reported in the literature in individuals affected with PRDM5-related conditions. ClinVar contains an entry for this variant (Variation ID: 1702270). An algorithm developed to predict the effect of missense changes on protein structure and function (PolyPhen-2) suggests that this variant is likely to be disruptive. In summary, the available evidence is currently insufficient to determine the role of this variant in disease. Therefore, it has been classified as a Variant of Uncertain Significance.

Ambry Genetics
Classification: Likely benign for Cardiovascular phenotype. Last evaluated: 2025-05-21. Review status: criteria provided, single submitter. Criteria: Ambry Variant Classification Scheme 2023. Collection method: clinical testing. Allele origin: germline.

Genome Diagnostics Laboratory, The Hospital for Sick Children
Classification: Uncertain significance for Ehlers-Danlos syndrome. Last evaluated: 2019-12-01. Review status: criteria provided, single submitter. Criteria: ACMG Guidelines, 2015. Collection method: clinical testing. Allele origin: germline.